The following is an entry in ClinVar:

NM_001003787.4(STRADA):c.1024C>T (p.His342Tyr)

Gene: STRADA (STE20 related adaptor alpha; minus strand). Cytogenetic location: 17q23.3.
Variant type: single nucleotide variant.
Coding change: c.1024C>T on transcript NM_001003787.4 (MANE Select); coding-DNA position 1024, C replaced by T.
Protein change: p.His342Tyr; replaces histidine 342 with tyrosine.
Molecular consequence: missense variant. On other transcripts: non-coding transcript variant (1), intron variant (6).
Genome position (GRCh38, 1-based): chr17:63,704,417, G>A on the plus strand (C>T on the coding strand, the complement: STRADA is on the minus strand). VCF-style: chr17-63704417-G-A. GRCh37 (hg19) VCF-style: chr17-61781777-G-A.
Other names: c.913C>T, p.His305Tyr (NM_001003786.3, NM_153335.6); c.850C>T, p.His284Tyr (NM_001003788.3); c.1000C>T, p.His334Tyr (NM_001363786.1); c.937C>T, p.His313Tyr (NM_001363787.1); c.898+15C>T (NM_001363789.1); c.835+15C>T (NM_001363790.1, NM_001363791.1); c.922+15C>T (NM_001165969.2); c.877+15C>T (NM_001165970.2); and 1 more; short protein forms H284Y, H305Y, H313Y, H334Y, H342Y.
Identifiers: ClinVar variation 1060715 (VCV001060715.9), dbSNP rs2035933923, ClinGen allele CA400587304.

ClinVar aggregate classification (germline): Uncertain significance (1 of 4 stars; one submission).

Conditions:
Polyhydramnios, megalencephaly, and symptomatic epilepsy (PMSE). Also called: PMSE SYNDROME. Identifiers: Orphanet 500533, MedGen C1970203, MONDO:0012611, OMIM 611087.

Allele frequency attached by ClinVar (database versions not stated): TOPMed below 0.00001.

Submission:

Labcorp Genetics (formerly Invitae), Labcorp
Classification: Uncertain significance for Polyhydramnios, megalencephaly, and symptomatic epilepsy. Last evaluated: 2020-04-29. Review status: criteria provided, single submitter. Criteria: Invitae Variant Classification Sherloc (09022015). Collection method: clinical testing. Allele origin: germline.
Comment: In summary, the available evidence is currently insufficient to determine the role of this variant in disease. Therefore, it has been classified as a Variant of Uncertain Significance. Algorithms developed to predict the effect of missense changes on protein structure and function are either unavailable or do not agree on the potential impact of this missense change (SIFT: "Tolerated"; PolyPhen-2: "Probably Damaging"; Align-GVGD: "Class C0"). This variant has not been reported in the literature in individuals with STRADA-related conditions. This variant is not present in population databases (ExAC no frequency). This sequence change replaces histidine with tyrosine at codon 342 of the STRADA protein (p.His342Tyr). The histidine residue is moderately conserved and there is a moderate physicochemical difference between histidine and tyrosine.